The following is an entry in ClinVar:

ClinVar aggregate classification (germline): Likely benign (1 of 4 stars; one submission).

Allele frequency attached by ClinVar (database versions not stated): gnomAD 0.00001.

Submission:

CeGaT Center for Human Genetics Tuebingen
Classification: Likely benign. Last evaluated: 2022-12-01. Review status: criteria provided, single submitter. Criteria: CeGaT Center For Human Genetics Tuebingen Variant Classification Criteria Version 2. Collection method: clinical testing. Allele origin: germline. Affected: yes. Observed: 1 variant allele.
Comment: VPS13C: BP4, BP7

NM_020821.3(VPS13C):c.6010A>C (p.Arg2004=)

Gene: VPS13C (vacuolar protein sorting 13 homolog C; minus strand). Cytogenetic location: 15q22.2.
Variant type: single nucleotide variant.
Coding change: c.6010A>C on transcript NM_020821.3 (MANE Select); coding-DNA position 6010, A replaced by C.
Protein change: p.Arg2004=; no amino-acid change (arginine 2004 retained).
Molecular consequence: synonymous variant.
Genome position (GRCh38, 1-based): chr15:61,931,118, T>G on the plus strand (A>C on the coding strand, the complement: VPS13C is on the minus strand). VCF-style: chr15-61931118-T-G. GRCh37 (hg19) VCF-style: chr15-62223317-T-G.
Other names: c.6010A>C, p.Arg2004= (NM_001018088.3); c.5881A>C, p.Arg1961= (NM_017684.5, NM_018080.4).
Identifiers: ClinVar variation 2645401 (VCV002645401.24), dbSNP rs750062884, ClinGen allele CA490644163.